The following is an entry in ClinVar:

NM_006612.6(KIF1C):c.3052C>T (p.Arg1018Cys)

Gene: KIF1C (kinesin family member 1C; plus strand). Cytogenetic location: 17p13.2.
Variant type: single nucleotide variant.
Coding change: c.3052C>T on transcript NM_006612.6 (MANE Select); coding-DNA position 3052, C replaced by T.
Protein change: p.Arg1018Cys; replaces arginine 1018 with cysteine.
Molecular consequence: missense variant.
Genome position (GRCh38, 1-based): chr17:5,023,891, C>T. VCF-style: chr17-5023891-C-T. GRCh37 (hg19) VCF-style: chr17-4927186-C-T.
Other names: short protein forms R1018C.
Identifiers: ClinVar variation 2184666 (VCV002184666.4), dbSNP rs772370282, ClinGen allele CA8319467.

ClinVar aggregate classification (germline): Uncertain significance (1 of 4 stars; one submission).

Conditions:
Spastic ataxia 2. Also called: Ataxia, spastic, 2, autosomal recessive. Identifiers: Orphanet 397946, MedGen C1969796, MONDO:0012651, OMIM 611302.

Allele frequency attached by ClinVar (database versions not stated): gnomAD 0.00002; TOPMed 0.00003; ExAC 0.00005.

Submission:

Labcorp Genetics (formerly Invitae), Labcorp
Classification: Uncertain significance for Spastic ataxia 2. Last evaluated: 2022-08-08. Review status: criteria provided, single submitter. Criteria: Invitae Variant Classification Sherloc (09022015). Collection method: clinical testing. Allele origin: germline.
Comment: Algorithms developed to predict the effect of missense changes on protein structure and function are either unavailable or do not agree on the potential impact of this missense change (SIFT: "Deleterious"; PolyPhen-2: "Possibly Damaging"; Align-GVGD: "Class C0"). This variant has not been reported in the literature in individuals affected with KIF1C-related conditions. This variant is present in population databases (rs772370282, gnomAD 0.006%). This sequence change replaces arginine, which is basic and polar, with cysteine, which is neutral and slightly polar, at codon 1018 of the KIF1C protein (p.Arg1018Cys). In summary, the available evidence is currently insufficient to determine the role of this variant in disease. Therefore, it has been classified as a Variant of Uncertain Significance.